The following is an entry in ClinVar:

NM_182961.4(SYNE1):c.4125A>T (p.Leu1375Phe)

Gene: SYNE1 (spectrin repeat containing nuclear envelope protein 1; minus strand). Cytogenetic location: 6q25.2.
Variant type: single nucleotide variant.
Coding change: c.4125A>T on transcript NM_182961.4 (MANE Select); coding-DNA position 4125, A replaced by T.
Protein change: p.Leu1375Phe; replaces leucine 1375 with phenylalanine.
Molecular consequence: missense variant.
Genome position (GRCh38, 1-based): chr6:152,441,154, T>A on the plus strand (A>T on the coding strand, the complement: SYNE1 is on the minus strand). VCF-style: chr6-152441154-T-A. GRCh37 (hg19) VCF-style: chr6-152762289-T-A.
Other names: c.4146A>T, p.Leu1382Phe (NM_033071.5); c.4125A>T (NM_182961.2); short protein forms L1375F, L1382F.
Identifiers: ClinVar variation 471045 (VCV000471045.9), dbSNP rs544182159, ClinGen allele CA150228873.
Genomic context (GRCh38, chr6:152,441,154, plus strand): 5'-TTTCTGAATATTGGGTACCAAGGAGCCATAATATACCTTTGTTTGTTCCAGTTCTGAAGA[T>A]AAACTTTCCAAACTGCTAAAACTCAAGAAGCGTTCATGACTGGAACCTGTTTGAAAAAGG-3'
Protein context (NP_892006.3, residues 1365-1385): RFLSFSSLES[Leu1375Phe]SSELEQTKEF

ClinVar aggregate classification (germline): Uncertain significance. Review status: criteria provided, multiple submitters, no conflicts (2 of 4 stars). 2 submissions from 2 submitters: Uncertain significance (2). Last evaluated 2024-07-29.

Conditions:
Emery-Dreifuss muscular dystrophy 4, autosomal dominant (EDMD4). Also called: EMERY-DREIFUSS MUSCULAR DYSTROPHY 4 WITH VARIABLE FEATURES. Identifiers: Orphanet 261, MedGen C2751807, MONDO:0013071, OMIM 612998.
Autosomal recessive ataxia, Beauce type. Also called: SYNE1-Related Autosomal Recessive Cerebellar Ataxia; Spinocerebellar ataxia, autosomal recessive 8; ATAXIA, RECESSIVE, OF BEAUCE; SYNE1 Deficiency. Identifiers: Orphanet 88644, MedGen C1853116, MONDO:0012549, OMIM 610743.

Allele frequency attached by ClinVar (database versions not stated): gnomAD 0.00003; TOPMed 0.00003; gnomAD exomes 0.00004.
gnomAD v4.1: 63 of 1,613,640 alleles (0.0039%); highest among the groups gnomAD compares: Non-Finnish European, 0.0048%; no homozygotes.

Submissions (2):

Athena Diagnostics
Classification: Uncertain significance. Last evaluated: 2024-07-29. Review status: criteria provided, single submitter. Criteria: Athena Diagnostics Criteria. Collection method: clinical testing. Allele origin: unknown.
Comment: Available data are insufficient to determine the clinical significance of the variant at this time. The frequency of this variant in the general population is uninformative in assessment of its pathogenicity. Polyphen and MutationTaster yielded discordant predictions regarding whether this amino acid change is damaging to the protein.

Labcorp Genetics (formerly Invitae), Labcorp
Classification: Uncertain significance for Emery-Dreifuss muscular dystrophy 4, autosomal dominant; Autosomal recessive ataxia, Beauce type. Last evaluated: 2021-09-01. Review status: criteria provided, single submitter. Criteria: Invitae Variant Classification Sherloc (09022015). Collection method: clinical testing. Allele origin: germline.
Comment: This sequence change replaces leucine with phenylalanine at codon 1382 of the SYNE1 protein (p.Leu1382Phe). The leucine residue is highly conserved and there is a small physicochemical difference between leucine and phenylalanine. This variant is not present in population databases (ExAC no frequency). This variant has not been reported in the literature in individuals affected with SYNE1-related conditions. ClinVar contains an entry for this variant (Variation ID: 471045). Algorithms developed to predict the effect of missense changes on protein structure and function are either unavailable or do not agree on the potential impact of this missense change (SIFT: "Deleterious"; PolyPhen-2: "Probably Damaging"; Align-GVGD: "Class C0"). In summary, the available evidence is currently insufficient to determine the role of this variant in disease. Therefore, it has been classified as a Variant of Uncertain Significance.